The following is an entry in ClinVar:

NM_001110556.2(FLNA):c.760G>A (p.Glu254Lys)

Gene: FLNA (filamin A; minus strand). Cytogenetic location: Xq28.
Variant type: single nucleotide variant.
Coding change: c.760G>A on transcript NM_001110556.2 (MANE Select); coding-DNA position 760, G replaced by A.
Protein change: p.Glu254Lys; replaces glutamic acid 254 with lysine.
Molecular consequence: missense variant.
Genome position (GRCh38, 1-based): chrX:154,367,505, C>T on the plus strand (G>A on the coding strand, the complement: FLNA is on the minus strand). VCF-style: chrX-154367505-C-T. GRCh37 (hg19) VCF-style: chrX-153595873-C-T.
Other names: c.760G>A, p.Glu254Lys (NM_001456.4); short protein forms E254K.
Identifiers: ClinVar variation 11756 (VCV000011756.20), dbSNP rs28935470, ClinGen allele CA221728.
Genomic context (GRCh38, chrX:154,367,505, plus strand): 5'-GAGCCCCTGGCTTCAGCTTGGCCTTGGGGAACTGGGACAGGTAGGTCATGACAGAGTGCT[C>T]GTCCACGTTGGGGTCCACAATCTCCTCGGGGGTGATCACCTGTCACAGGCAGAAAACAGG-3'
Protein context (NP_001104026.1, residues 244-264): PEEIVDPNVD[Glu254Lys]HSVMTYLSQF

ClinVar aggregate classification (germline): Pathogenic/Likely pathogenic. Review status: criteria provided, multiple submitters, no conflicts (2 of 4 stars). 6 submissions from 6 submitters: Pathogenic (2); Likely pathogenic (1). 3 of the submissions do not count toward it. Last evaluated 2024-04-17.

Conditions:
Melnick-Needles syndrome (MNS). Also called: MELNICK-NEEDLES OSTEODYSPLASTY; Melnick-Needles Syndrome (FLNA-MNS); OSTEODYSPLASTY OF MELNICK AND NEEDLES. Identifiers: Orphanet 2484, MedGen C0025237, MONDO:0010650, OMIM 309350.
Frontometaphyseal dysplasia (FMD1). Identifiers: Orphanet 1826, MedGen C0265293, MONDO:0015942.
Oto-palato-digital syndrome, type II (OPD2). Also called: Otopalatodigital Syndrome Type 2 (FLNA-OPD2); OPD II SYNDROME; FACIOPALATOOSSEOUS SYNDROME; Otopalatodigital Syndrome, Type II. Identifiers: Orphanet 669, Orphanet 90652, MedGen C1844696, MONDO:0010571, OMIM 304120.
Heterotopia, periventricular, X-linked dominant (PVNH1). Also called: PERIVENTRICULAR NODULAR HETEROTOPIA 4; HETEROTOPIA, PERIVENTRICULAR, 1; PERIVENTRICULAR NODULAR HETEROTOPIA 1; X-linked periventricular heterotopia. Identifiers: Orphanet 2149, Orphanet 82004, MedGen C1848213, MONDO:0010233, OMIM 300049.
X-linked otopalatodigital spectrum disorders.

Submissions (6):

Division of Genetic & Genomic Pathology, Hong Kong Children's Hospital
Classification: Likely pathogenic for X-linked otopalatodigital spectrum disorders. Last evaluated: 2024-04-17. Review status: criteria provided, single submitter. Criteria: ACMG Guidelines, 2015. Collection method: clinical testing. Allele origin: de novo. Affected: yes.
Comment: The missense variant FLNA c.760G>A p.(Glu254Lys) is located in exon 5 of the gene. It is absent from population controls (gnomAD v2.1.1 and v4.0.0). It has been reported to be pathogenic in ClinVar database (VCV000011756.16). It is located in the calponin homology domain 2 with regional missense constraint o/e of 0.18. In-silico predictions suggest that this variant is deleterious (REVEL score 0.910). It has been reported in multiple patients with otopalatodigital-spectrum disorders (PMID: 12612583). Experimental study has shown that this missense change affects FLNA function through a gain-of-function mechanism (PMID: 19773341). For these reasons, this variant is classified as likely pathogenic.

Labcorp Genetics (formerly Invitae), Labcorp
Classification: Pathogenic for Oto-palato-digital syndrome, type II; Heterotopia, periventricular, X-linked dominant; Frontometaphyseal dysplasia; Melnick-Needles syndrome. Last evaluated: 2022-02-10. Review status: criteria provided, single submitter. Criteria: Invitae Variant Classification Sherloc (09022015). Collection method: clinical testing. Allele origin: germline.
Comment: ClinVar contains an entry for this variant (Variation ID: 11756). For these reasons, this variant has been classified as Pathogenic. Experimental studies have shown that this missense change affects FLNA function (PMID: 19773341, 21620354). Advanced modeling of protein sequence and biophysical properties (such as structural, functional, and spatial information, amino acid conservation, physicochemical variation, residue mobility, and thermodynamic stability) performed at Invitae indicates that this missense variant is expected to disrupt FLNA protein function. This missense change has been observed in individuals with otopalatodigital spectrum disorders (PMID: 12612583). This variant is not present in population databases (gnomAD no frequency). This sequence change replaces glutamic acid, which is acidic and polar, with lysine, which is basic and polar, at codon 254 of the FLNA protein (p.Glu254Lys).

Eurofins Ntd Llc (ga)
Classification: Pathogenic. Last evaluated: 2015-02-11. Review status: criteria provided, single submitter. Criteria: EGL Classification Definitions. Collection method: clinical testing. Allele origin: germline. Observed: 2 variant alleles, 1 heterozygote, 1 hemizygote.

OMIM
Classification: Pathogenic for OTOPALATODIGITAL SYNDROME, TYPE II. Last evaluated: 2009-12-15. Review status: no assertion criteria provided. Collection method: literature only. Allele origin: germline. Not counted in ClinVar's aggregate classification.

Clinical Genetics DNA and cytogenetics Diagnostics Lab, Erasmus MC, Erasmus Medical Center
Classification: Pathogenic. Review status: no assertion criteria provided. Collection method: clinical testing. Allele origin: germline. Affected: yes. Study: VKGL Data-share Consensus. Not counted in ClinVar's aggregate classification.

Joint Genome Diagnostic Labs from Nijmegen and Maastricht, Radboudumc and MUMC+
Classification: Likely pathogenic. Review status: no assertion criteria provided. Collection method: clinical testing. Allele origin: germline. Affected: yes. Study: VKGL Data-share Consensus. Not counted in ClinVar's aggregate classification.

Literature cited by the submitters: PubMed 12612583 (cited by Division of Genetic & Genomic Pathology, Hong Kong Children's Hospital and Labcorp Genetics (formerly Invitae), Labcorp); PubMed 19773341 (cited by 3 submitters); PubMed 21620354 (cited by Labcorp Genetics (formerly Invitae), Labcorp); PubMed 15917206 (cited by OMIM).